The following is an entry in ClinVar:

NM_000388.4(CASR):c.3150G>C (p.Leu1050Phe)

Gene: CASR (calcium sensing receptor; plus strand). Cytogenetic location: 3q21.1.
Variant type: single nucleotide variant.
Coding change: c.3150G>C on transcript NM_000388.4 (MANE Select); coding-DNA position 3150, G replaced by C.
Protein change: p.Leu1050Phe; replaces leucine 1050 with phenylalanine.
Molecular consequence: missense variant.
Genome position (GRCh38, 1-based): chr3:122,285,104, G>C. VCF-style: chr3-122285104-G-C. GRCh37 (hg19) VCF-style: chr3-122003951-G-C.
Other names: c.3180G>C, p.Leu1060Phe (NM_001178065.2); short protein forms L1050F, L1060F.
Identifiers: ClinVar variation 1505513 (VCV001505513.8), dbSNP rs2107652019, ClinGen allele CA354161599.

ClinVar aggregate classification (germline): Uncertain significance (1 of 4 stars; one submission).

Conditions:
Autosomal dominant hypocalcemia 1 (HYPOC1). Also called: HYPOCALCEMIA, FAMILIAL. Identifiers: MedGen C3715128, MONDO:0011013, OMIM 601198.
Familial hypocalciuric hypercalcemia (FHH). Also called: Familial benign hypercalcemia. Identifiers: Orphanet 405, MedGen C1809471, MONDO:0018458.

Allele frequency attached by ClinVar (database versions not stated): gnomAD exomes below 0.00001.
gnomAD v4.1: 3 of 1,614,190 alleles (0.00019%); highest among the groups gnomAD compares: Non-Finnish European, 0.00025%; no homozygotes.

Submission:

Labcorp Genetics (formerly Invitae), Labcorp
Classification: Uncertain significance for Familial hypocalciuric hypercalcemia; Autosomal dominant hypocalcemia 1. Last evaluated: 2020-12-03. Review status: criteria provided, single submitter. Criteria: Invitae Variant Classification Sherloc (09022015). Collection method: clinical testing. Allele origin: germline.
Comment: This sequence change replaces leucine with phenylalanine at codon 1050 of the CASR protein (p.Leu1050Phe). The leucine residue is weakly conserved and there is a small physicochemical difference between leucine and phenylalanine. In summary, the available evidence is currently insufficient to determine the role of this variant in disease. Therefore, it has been classified as a Variant of Uncertain Significance. Algorithms developed to predict the effect of missense changes on protein structure and function are either unavailable or do not agree on the potential impact of this missense change (SIFT: "Deleterious"; PolyPhen-2: "Benign"; Align-GVGD: "Class C0"). This variant has not been reported in the literature in individuals with CASR-related conditions. This variant is not present in population databases (ExAC no frequency).